The following is an entry in ClinVar:

NM_001111067.4(ACVR1):c.121_122del (p.Ser41fs)

Gene: ACVR1 (activin A receptor type 1; minus strand). Cytogenetic location: 2q24.1.
Variant type: Microsatellite.
Coding change: c.121_122del on transcript NM_001111067.4 (MANE Select); coding-DNA positions 121 to 122, 2 bases deleted (TC; older notation c.121_122delTC).
Protein change: p.Ser41fs; shifts the reading frame from serine 41.
Molecular consequence: frameshift variant.
Genome position (GRCh38, 1-based): chr2:157,780,546-157,780,547, GA deleted on the plus strand (TC on the coding strand, the reverse complement: ACVR1 is on the minus strand); deleting any 2 consecutive bases within chr2:157,780,546-157,780,551 gives the same sequence; the c. name uses the placement nearest the transcript's 3' end. VCF-style (leftmost placement, unchanged base first): chr2-157780545-GGA-G. GRCh37 (hg19) VCF-style: chr2-158637057-GGA-G.
Other names: c.121_122del, p.Ser41fs (NM_001105.5, NM_001347663.1, NM_001347664.1 and 3 more transcripts); short protein forms S41fs.
Identifiers: ClinVar variation 4717795 (VCV004717795.1).

ClinVar aggregate classification (germline): Uncertain significance (1 of 4 stars; one submission).

Submission:

Labcorp Genetics (formerly Invitae), Labcorp
Classification: Uncertain significance. Last evaluated: 2025-04-17. Review status: criteria provided, single submitter. Criteria: Invitae Variant Classification Sherloc (09022015). Collection method: clinical testing. Allele origin: germline.
Comment: This sequence change creates a premature translational stop signal (p.Ser41Leufs*3) in the ACVR1 gene. It is expected to result in an absent or disrupted protein product. However, the current clinical and genetic evidence is not sufficient to establish whether loss-of-function variants in ACVR1 cause disease. This variant is not present in population databases (gnomAD no frequency). This variant has not been reported in the literature in individuals affected with ACVR1-related conditions. In summary, the available evidence is currently insufficient to determine the role of this variant in disease. Therefore, it has been classified as a Variant of Uncertain Significance.